The following is an entry in ClinVar:

ClinVar aggregate classification (germline): Uncertain significance. Review status: criteria provided, multiple submitters, no conflicts (2 of 4 stars). 5 submissions from 4 submitters: Uncertain significance (5). Last evaluated 2024-04-09.

Conditions:
Leber congenital amaurosis 6 (LCA6). Identifiers: Orphanet 65, MedGen C1854260, MONDO:0013446, OMIM 613826.
Cone-rod dystrophy 13 (CORD13). Identifiers: Orphanet 1872, MedGen C2750720, MONDO:0011987, OMIM 608194.

Allele frequency attached by ClinVar (database versions not stated): ExAC 0.00002; gnomAD exomes 0.00003 and 0.00004; gnomAD 0.00022 and 0.00023; 1000 Genomes Project 0.00060; TOPMed 0.00060; 1000 Genomes Project 30x 0.00062.
gnomAD v4.1: 69 of 1,613,946 alleles (0.0043%); highest among the groups gnomAD compares: Admixed American, 0.092%; no homozygotes.

Submissions (5):

Blueprint Genetics
Classification: Uncertain significance. Last evaluated: 2024-04-09. Review status: criteria provided, single submitter. Criteria: ACMG Guidelines, 2015. Collection method: clinical testing. Allele origin: germline.

Labcorp Genetics (formerly Invitae), Labcorp
Classification: Uncertain significance for Leber congenital amaurosis 6; Cone-rod dystrophy 13. Last evaluated: 2022-10-25. Review status: criteria provided, single submitter. Criteria: Invitae Variant Classification Sherloc (09022015). Collection method: clinical testing. Allele origin: germline.
Comment: This sequence change replaces histidine, which is basic and polar, with arginine, which is basic and polar, at codon 692 of the RPGRIP1 protein (p.His692Arg). This variant is present in population databases (rs200401966, gnomAD 0.02%). This variant has not been reported in the literature in individuals affected with RPGRIP1-related conditions. ClinVar contains an entry for this variant (Variation ID: 194421). Advanced modeling of protein sequence and biophysical properties (such as structural, functional, and spatial information, amino acid conservation, physicochemical variation, residue mobility, and thermodynamic stability) performed at Invitae indicates that this missense variant is not expected to disrupt RPGRIP1 protein function. In summary, the available evidence is currently insufficient to determine the role of this variant in disease. Therefore, it has been classified as a Variant of Uncertain Significance.

Genome-Nilou Lab
Classification: Uncertain significance for Leber congenital amaurosis 6. Last evaluated: 2021-11-07. Review status: criteria provided, single submitter. Criteria: ACMG Guidelines, 2015. Collection method: clinical testing. Allele origin: germline. Affected: no.

Genome-Nilou Lab
Classification: Uncertain significance for Cone-rod dystrophy 13. Last evaluated: 2021-11-07. Review status: criteria provided, single submitter. Criteria: ACMG Guidelines, 2015. Collection method: clinical testing. Allele origin: germline. Affected: no.

Eurofins Ntd Llc (ga)
Classification: Uncertain significance. Last evaluated: 2014-10-16. Review status: criteria provided, single submitter. Criteria: EGL Classification Definitions 2015. Collection method: clinical testing. Allele origin: germline. Observed: 1 variant allele, 1 heterozygote.

NM_020366.4(RPGRIP1):c.2075A>G (p.His692Arg)

Gene: RPGRIP1 (RPGR interacting protein 1; plus strand). Cytogenetic location: 14q11.2.
Variant type: single nucleotide variant.
Coding change: c.2075A>G on transcript NM_020366.4 (MANE Select); coding-DNA position 2075, A replaced by G.
Protein change: p.His692Arg; replaces histidine 692 with arginine.
Molecular consequence: missense variant. On other transcripts: intron variant (4).
Genome position (GRCh38, 1-based): chr14:21,324,930, A>G. VCF-style: chr14-21324930-A-G. GRCh37 (hg19) VCF-style: chr14-21793089-A-G.
Other names: c.1001A>G, p.His334Arg (NM_001377948.1); c.796+205A>G (NM_001377949.1); c.689-2693A>G (NM_001377523.1, NM_001377950.1); c.191-2693A>G (NM_001377951.1); short protein forms H692R, H334R.
Identifiers: ClinVar variation 194421 (VCV000194421.11), dbSNP rs200401966, ClinGen allele CA240362.